The following is an entry in ClinVar:

ClinVar aggregate classification (germline): Uncertain significance (1 of 4 stars; one submission).

gnomAD v4.1: 2 of 1,610,366 alleles (0.00012%); highest among the groups gnomAD compares: Non-Finnish European, 0.00017%; no homozygotes.

Submission:

GeneDx
Classification: Uncertain significance. Last evaluated: 2024-02-29. Review status: criteria provided, single submitter. Criteria: GeneDx Variant Classification Process June 2021. Collection method: clinical testing. Allele origin: germline. Affected: yes.
Comment: Canonical splice site variant predicted to result in a null allele in a gene for which loss of function is a known mechanism of disease; Has not been previously published as pathogenic or benign to our knowledge

NM_014515.7(CNOT2):c.49-2A>C

Gene: CNOT2 (CCR4-NOT transcription complex subunit 2; plus strand). Cytogenetic location: 12q15.
Variant type: single nucleotide variant.
Coding change: c.49-2A>C on transcript NM_014515.7 (MANE Select); the canonical splice acceptor site of the intron before coding-DNA position 49, A replaced by C.
Molecular consequence: splice acceptor variant. On other transcripts: intron variant (1).
Genome position (GRCh38, 1-based): chr12:70,310,893, A>C. VCF-style: chr12-70310893-A-C. GRCh37 (hg19) VCF-style: chr12-70704673-A-C.
Other names: c.49-2A>C (NM_001199302.2, NM_001414652.1, NM_001414662.1 and 3 more transcripts); c.22-2A>C (NM_001414655.1, NM_001414653.1, NM_001414654.1); c.-12-2A>C (NM_001414660.1, NM_001414657.1, NM_001414659.1 and 1 more transcripts); c.49-8405A>C (NM_001414661.1).
Identifiers: ClinVar variation 3373462 (VCV003373462.1).